The following is an entry in ClinVar:

NM_001267550.2(TTN):c.85230C>A (p.Asp28410Glu)

Genes: TTN (titin; minus strand), TTN-AS1 (TTN antisense RNA 1; plus strand). Cytogenetic location: 2q31.2.
Variant type: single nucleotide variant.
Coding change: c.85230C>A on transcript NM_001267550.2 (MANE Select); coding-DNA position 85230, C replaced by A.
Protein change: p.Asp28410Glu; replaces aspartic acid 28410 with glutamic acid.
Molecular consequence: missense variant.
Genome position (GRCh38, 1-based): chr2:178,560,902, G>T on the plus strand (C>A on the coding strand, the complement: TTN is on the minus strand). VCF-style: chr2-178560902-G-T. GRCh37 (hg19) VCF-style: chr2-179425629-G-T.
Other names: c.80307C>A, p.Asp26769Glu (NM_001256850.1); c.58035C>A, p.Asp19345Glu (NM_003319.4); c.77526C>A, p.Asp25842Glu (NM_133378.4); c.58410C>A, p.Asp19470Glu (NM_133432.3); c.58611C>A, p.Asp19537Glu (NM_133437.4); short protein forms D19345E, D19470E, D19537E, D25842E, D26769E, D28410E.
Identifiers: ClinVar variation 3253078 (VCV003253078.1), dbSNP rs762042364.
Genomic context (GRCh38, chr2:178,560,902, plus strand): 5'-TAGTACATATTGCCCAGTGTCTCGTCTTATACAGTCTTTAACTGTTAACAAAGTATGATT[G>T]TCTGTTGAGATGATTTCTGTTCTTGCTCTTTCTTCAATTTCTATACCATCCTTGGCCCAG-3'
Protein context (NP_001254479.2, residues 28400-28420): ERARTEIIST[Asp28410Glu]NHTLLTVKDC

ClinVar aggregate classification (germline): Uncertain significance (1 of 4 stars; one submission).

Allele frequency attached by ClinVar (database versions not stated): TOPMed below 0.00001; ExAC 0.00001; gnomAD 0.00001; gnomAD exomes 0.00001.

Submission:

GeneDx
Classification: Uncertain significance. Last evaluated: 2024-04-12. Review status: criteria provided, single submitter. Criteria: GeneDx Variant Classification Process June 2021. Collection method: clinical testing. Allele origin: germline. Affected: yes.
Comment: Not observed at significant frequency in large population cohorts (gnomAD); Missense variant in a gene in which most reported pathogenic variants are truncating/loss of function; Has not been previously published as pathogenic or benign to our knowledge